The following is an entry in ClinVar:

ClinVar aggregate classification (germline): Benign/Likely benign. Review status: criteria provided, multiple submitters, no conflicts (2 of 4 stars). 6 submissions from 5 submitters: Benign (4); Likely benign (2). Last evaluated 2026-01-31.

Conditions:
Perrault syndrome. Also called: Gonadal dysgenesis with auditory dysfunction, autosomal recessive inheritance. Identifiers: Orphanet 2855, MedGen C0685838, MONDO:0017312.
Bifunctional peroxisomal enzyme deficiency (DBIF). Also called: D-bifunctional protein deficiency; PBFE DEFICIENCY; DBP DEFICIENCY. Identifiers: Orphanet 300, MedGen C0342870, MONDO:0009855, OMIM 261515. Disease mechanism: loss of function.
Perrault syndrome 1 (PRLTS1). Also called: GONADAL DYSGENESIS, XX TYPE, WITH DEAFNESS; OVARIAN DYSGENESIS WITH SENSORINEURAL DEAFNESS. Identifiers: Orphanet 2855, Orphanet 642945, MedGen C4551721, MONDO:0009300, OMIM 233400.

Allele frequency attached by ClinVar (database versions not stated): gnomAD 0.00034 and 0.00042; ExAC 0.00077; TOPMed 0.00076; gnomAD exomes 0.00103 and 0.00027; 1000 Genomes Project 30x 0.00125; 1000 Genomes Project 0.00160.
gnomAD v4.1: 464 of 1,599,752 alleles (0.029%); highest among the groups gnomAD compares: East Asian, 0.96%; 8 homozygotes.

Submissions (6):

Labcorp Genetics (formerly Invitae), Labcorp
Classification: Benign for Perrault syndrome; Bifunctional peroxisomal enzyme deficiency. Last evaluated: 2026-01-31. Review status: criteria provided, single submitter. Criteria: Invitae Variant Classification Sherloc (09022015). Collection method: clinical testing. Allele origin: germline.

GeneDx
Classification: Benign. Last evaluated: 2019-03-05. Review status: criteria provided, single submitter. Criteria: GeneDx Variant Classification Process June 2021. Collection method: clinical testing. Allele origin: germline. Affected: yes.

Illumina Laboratory Services, Illumina
Classification: Likely benign for Bifunctional peroxisomal enzyme deficiency. Last evaluated: 2018-01-12. Review status: criteria provided, single submitter. Criteria: ICSL Variant Classification Criteria 13 December 2019. Collection method: clinical testing. Allele origin: germline.
Comment: This variant was observed in the ICSL laboratory as part of a predisposition screen in an ostensibly healthy population. It had not been previously curated by ICSL or reported in the Human Gene Mutation Database (HGMD: prior to June 1st, 2018), and was therefore a candidate for classification through an automated scoring system. Utilizing variant allele frequency, disease prevalence and penetrance estimates, and inheritance mode, an automated score was calculated to assess if this variant is too frequent to cause the disease. Based on the score and internal cut-off values, a variant classified as likely benign is not then subjected to further curation. The score for this variant resulted in a classification of likely benign for this disease.

Illumina Laboratory Services, Illumina
Classification: Benign for Perrault syndrome 1. Last evaluated: 2018-01-12. Review status: criteria provided, single submitter. Criteria: ICSL Variant Classification Criteria 13 December 2019. Collection method: clinical testing. Allele origin: germline.
Comment: This variant was observed in the ICSL laboratory as part of a predisposition screen in an ostensibly healthy population. It had not been previously curated by ICSL or reported in the Human Gene Mutation Database (HGMD: prior to June 1st, 2018), and was therefore a candidate for classification through an automated scoring system. Utilizing variant allele frequency, disease prevalence and penetrance estimates, and inheritance mode, an automated score was calculated to assess if this variant is too frequent to cause the disease. Based on the score and internal cut-off values, a variant classified as benign is not then subjected to further curation. The score for this variant resulted in a classification of benign for this disease.

Eurofins Ntd Llc (ga)
Classification: Benign. Last evaluated: 2015-10-05. Review status: criteria provided, single submitter. Criteria: EGL Classification Definitions 2015. Collection method: clinical testing. Allele origin: germline. Observed: 1 variant allele, 1 heterozygote.

Laboratory for Molecular Medicine, Mass General Brigham Personalized Medicine
Classification: Likely benign. Last evaluated: 2014-11-24. Review status: criteria provided, single submitter. Criteria: LMM Criteria. Collection method: clinical testing. Allele origin: germline. Observed: 1 variant allele.
Comment: Ala341Ala in exon 13 of HSD17B4: This variant is not expected to have clinical significance because it does not alter an amino acid residue and is not located within the splice consensus sequence. It has been identified in 1.1% (2/178) of Japanese chromosomes from a broad population by the 1000 Genomes Project (dbSNP rs192301957).

NM_000414.4(HSD17B4):c.948A>G (p.Ala316=)

Gene: HSD17B4 (hydroxysteroid 17-beta dehydrogenase 4; plus strand). Cytogenetic location: 5q23.1.
Variant type: single nucleotide variant.
Coding change: c.948A>G on transcript NM_000414.4 (MANE Select); coding-DNA position 948, A replaced by G.
Protein change: p.Ala316=; no amino-acid change (alanine 316 retained).
Molecular consequence: synonymous variant.
Genome position (GRCh38, 1-based): chr5:119,496,622, A>G. VCF-style: chr5-119496622-A-G. GRCh37 (hg19) VCF-style: chr5-118832317-A-G.
Other names: c.1023A>G, p.Ala341= (NM_001199291.3); c.894A>G, p.Ala298= (NM_001199292.2); c.876A>G, p.Ala292= (NM_001292027.2); c.528A>G, p.Ala176= (NM_001292028.2).
Identifiers: ClinVar variation 283769 (VCV000283769.25), dbSNP rs192301957, ClinGen allele CA3382044.